The following is an entry in ClinVar:

NM_000059.4(BRCA2):c.1077A>T (p.Glu359Asp)

Gene: BRCA2 (BRCA2 DNA repair associated; plus strand). Cytogenetic location: 13q13.1.
Variant type: single nucleotide variant.
Coding change: c.1077A>T on transcript NM_000059.4 (MANE Select); coding-DNA position 1077, A replaced by T.
Protein change: p.Glu359Asp; replaces glutamic acid 359 with aspartic acid.
Molecular consequence: missense variant.
Genome position (GRCh38, 1-based): chr13:32,332,555, A>T. VCF-style: chr13-32332555-A-T. GRCh37 (hg19) VCF-style: chr13-32906692-A-T.
Other names: c.1077A>T, p.Glu359Asp (NM_001406719.1, NM_001406720.1, NM_001406721.1); short protein forms E359D.
Identifiers: ClinVar variation 1785115 (VCV001785115.4), dbSNP rs1135401832, ClinGen allele CA387761429.

ClinVar aggregate classification (germline): Conflicting classifications of pathogenicity. Review status: criteria provided, conflicting classifications (1 of 4 stars). 2 submissions from 2 submitters: Uncertain significance (1); Likely benign (1). Last evaluated 2023-03-23.

Conditions:
Hereditary cancer-predisposing syndrome. Also called: Neoplastic Syndromes, Hereditary; Tumor predisposition; Hereditary Cancer Syndrome; Hereditary neoplastic syndrome. Identifiers: Orphanet 140162, MedGen C0027672, MeSH D009386, MONDO:0015356.

Submissions (2):

University of Washington Department of Laboratory Medicine, University of Washington
Classification: Likely benign for Hereditary cancer-predisposing syndrome. Last evaluated: 2023-03-23. Review status: criteria provided, single submitter. Criteria: Dines et al. (Genet Med. 2020). Collection method: curation. Allele origin: germline.
Comment: Missense variant in a coldspot region where missense variants are very unlikely to be pathogenic (PMID:31911673).

BRCA2 exon 10 coldspot. Reclassification based on statistical prior probability.

Ambry Genetics
Classification: Uncertain significance for Hereditary cancer-predisposing syndrome. Last evaluated: 2020-01-02. Review status: criteria provided, single submitter. Criteria: Ambry Variant Classification Scheme 2023. Collection method: clinical testing. Allele origin: germline.
Comment: The p.E359D variant (also known as c.1077A>T), located in coding exon 9 of the BRCA2 gene, results from an A to T substitution at nucleotide position 1077. The glutamic acid at codon 359 is replaced by aspartic acid, an amino acid with highly similar properties. This amino acid position is well conserved in available vertebrate species. In addition, this alteration is predicted to be tolerated by in silico analysis. Since supporting evidence is limited at this time, the clinical significance of this alteration remains unclear.